The following is an entry in ClinVar:

NM_032638.5(GATA2):c.872-1G>C

Gene: GATA2 (GATA binding protein 2; minus strand). Cytogenetic location: 3q21.3.
Variant type: single nucleotide variant.
Coding change: c.872-1G>C on transcript NM_032638.5 (MANE Select); the canonical splice acceptor site of the intron before coding-DNA position 872, G replaced by C.
Molecular consequence: splice acceptor variant.
Genome position (GRCh38, 1-based): chr3:128,484,006, C>G on the plus strand (G>C on the coding strand, the complement: GATA2 is on the minus strand). VCF-style: chr3-128484006-C-G. GRCh37 (hg19) VCF-style: chr3-128202849-C-G.
Other names: c.872-1G>C (NM_001145662.1, NM_001145661.2).
Identifiers: ClinVar variation 835953 (VCV000835953.9), dbSNP rs2068663163, ClinGen allele CA354405014.

ClinVar aggregate classification (germline): Conflicting classifications of pathogenicity. Review status: criteria provided, conflicting classifications (1 of 4 stars). 2 submissions from 2 submitters: Likely pathogenic (1); Uncertain significance (1). Last evaluated 2025-06-11.

Conditions:
Deafness-lymphedema-leukemia syndrome. Also called: Emberger syndrome; Lymphedema, primary, with myelodysplasia. Identifiers: Orphanet 3226, MedGen C3279664, MONDO:0013540, OMIM 614038.
Monocytopenia with susceptibility to infections. Also called: GATA2 DEFICIENCY; MONOCYTOPENIA AND MYCOBACTERIAL INFECTION SYNDROME; MONOCYTOPENIA WITH SUSCEPTIBILITY TO MYCOBACTERIAL, FUNGAL, AND PAPILLOMAVIRUS INFECTIONS AND MYELODYSPLASIA; COMBINED IMMUNODEFICIENCY WITH SUSCEPTIBILITY TO MYCOBACTERIAL, VIRAL, AND FUNGAL INFECTIONS; IMMUNODEFICIENCY 21; Dendritic cell, monocyte, B lymphocyte, and natural killer lymphocyte deficiency. Identifiers: Orphanet 228423, MedGen C3280030, MONDO:0013607, OMIM 614172.
Inborn genetic diseases. Identifiers: MedGen C0950123, MeSH D030342.

Submissions (2):

Ambry Genetics
Classification: Uncertain significance for Inborn genetic diseases. Last evaluated: 2025-06-11. Review status: criteria provided, single submitter. Criteria: Ambry Variant Classification Scheme 2023. Collection method: clinical testing. Allele origin: germline.
Comment: The c.872-1G>C intronic variant results from a G to C substitution one nucleotide upstream from coding exon 3 of the GATA2 gene. Alterations that disrupt the canonical splice site are expected to result in aberrant splicing. In silico splice site analysis predicts that this alteration will weaken the native splice acceptor site and may result in the creation or strengthening of a novel splice acceptor site. A resulting transcript is predicted to be in-frame and is not expected to trigger nonsense-mediated mRNA decay; although, direct evidence is unavailable. This nucleotide position is highly conserved in available vertebrate species. Based on the available evidence, the clinical significance of this variant remains unclear.

Labcorp Genetics (formerly Invitae), Labcorp
Classification: Likely pathogenic for Monocytopenia with susceptibility to infections; Deafness-lymphedema-leukemia syndrome. Last evaluated: 2020-10-06. Review status: criteria provided, single submitter. Criteria: Invitae Variant Classification Sherloc (09022015). Collection method: clinical testing. Allele origin: germline.
Comment: In summary, the currently available evidence indicates that the variant is pathogenic, but additional data are needed to prove that conclusively. Therefore, this variant has been classified as Likely Pathogenic. Donor and acceptor splice site variants typically lead to a loss of protein function (PMID: 16199547), and loss-of-function variants in GATA2 are known to be pathogenic (PMID: 21670465, 23223431). This variant has not been reported in the literature in individuals with GATA2-related conditions. ClinVar contains an entry for this variant (Variation ID: 835953). This variant is not present in population databases (ExAC no frequency). This sequence change affects an acceptor splice site in intron 3 of the GATA2 gene. It is expected to disrupt RNA splicing and likely results in an absent or disrupted protein product.

Literature cited by the submitters: PubMed 16199547 (cited by Labcorp Genetics (formerly Invitae), Labcorp); PubMed 21670465 (cited by Labcorp Genetics (formerly Invitae), Labcorp); PubMed 23223431 (cited by Labcorp Genetics (formerly Invitae), Labcorp).